The following is an entry in ClinVar:

NM_015346.4(ZFYVE26):c.6014A>G (p.Tyr2005Cys)

Gene: ZFYVE26 (zinc finger FYVE-type containing 26; minus strand). Cytogenetic location: 14q24.1.
Variant type: single nucleotide variant.
Coding change: c.6014A>G on transcript NM_015346.4 (MANE Select); coding-DNA position 6014, A replaced by G.
Protein change: p.Tyr2005Cys; replaces tyrosine 2005 with cysteine.
Molecular consequence: missense variant.
Genome position (GRCh38, 1-based): chr14:67,762,817, T>C on the plus strand (A>G on the coding strand, the complement: ZFYVE26 is on the minus strand). VCF-style: chr14-67762817-T-C. GRCh37 (hg19) VCF-style: chr14-68229534-T-C.
Other names: short protein forms Y2005C.
Identifiers: ClinVar variation 1407557 (VCV001407557.5), dbSNP rs1164231240, ClinGen allele CA390165349.

ClinVar aggregate classification (germline): Uncertain significance (1 of 4 stars; one submission).

Conditions:
Spastic paraplegia. Identifiers: MedGen C0037772, HP:0001258.

Allele frequency attached by ClinVar (database versions not stated): gnomAD exomes below 0.00001.
gnomAD v4.1: 2 of 1,614,000 alleles (0.00012%); highest among the groups gnomAD compares: Non-Finnish European, 0.00017%; no homozygotes.

Submission:

Labcorp Genetics (formerly Invitae), Labcorp
Classification: Uncertain significance for Spastic paraplegia. Last evaluated: 2022-06-20. Review status: criteria provided, single submitter. Criteria: Invitae Variant Classification Sherloc (09022015). Collection method: clinical testing. Allele origin: germline.
Comment: This sequence change replaces tyrosine, which is neutral and polar, with cysteine, which is neutral and slightly polar, at codon 2005 of the ZFYVE26 protein (p.Tyr2005Cys). This variant is present in population databases (no rsID available, gnomAD 0.0009%). This variant has not been reported in the literature in individuals affected with ZFYVE26-related conditions. Algorithms developed to predict the effect of missense changes on protein structure and function are either unavailable or do not agree on the potential impact of this missense change (SIFT: "Deleterious"; PolyPhen-2: "Probably Damaging"; Align-GVGD: "Class C0"). In summary, the available evidence is currently insufficient to determine the role of this variant in disease. Therefore, it has been classified as a Variant of Uncertain Significance.